The following is an entry in ClinVar:

ClinVar aggregate classification (germline): Likely pathogenic (1 of 4 stars; one submission).

Conditions:
Autosomal dominant intellectual disability-craniofacial anomalies-cardiac defects syndrome (ARTHS). Also called: Arboleda-Tham syndrome; KAT6A syndrome; Mental retardation, autosomal dominant 32. Identifiers: Orphanet 457193, MedGen C4225396, MONDO:0014558, OMIM 616268.

Submission:

Molecular Genetics, Royal Melbourne Hospital
Classification: Likely pathogenic for Autosomal dominant intellectual disability-craniofacial anomalies-cardiac defects syndrome. Last evaluated: 2022-12-04. Review status: criteria provided, single submitter. Criteria: ACMG Guidelines, 2015. Collection method: clinical testing. Allele origin: germline. Affected: yes.
Comment: This sequence change in KAT6A is a nonsense variant predicted to cause a premature stop codon, p.(Gln912*), in biologically relevant exon 15/17 leading to nonsense-mediated decay in a gene in which loss-of-function is an established disease mechanism. This variant is absent from the population database gnomAD v2.1 and v3.1. To our knowledge, this variant has not been reported in the literature in any individuals with KAT6A-related disease. Based on the classification scheme RMH Modified ACMG Guidelines v1.5.1, this variant is classified as LIKELY PATHOGENIC. Following criteria are met: PVS1, PM2_Supporting.

NM_006766.5(KAT6A):c.2734C>T (p.Gln912Ter)

Gene: KAT6A (lysine acetyltransferase 6A; minus strand). Cytogenetic location: 8p11.21.
Variant type: single nucleotide variant.
Coding change: c.2734C>T on transcript NM_006766.5 (MANE Select); coding-DNA position 2734, C replaced by T.
Protein change: p.Gln912Ter; replaces glutamine 912 with a stop codon.
Molecular consequence: nonsense.
Genome position (GRCh38, 1-based): chr8:41,941,147, G>A on the plus strand (C>T on the coding strand, the complement: KAT6A is on the minus strand). VCF-style: chr8-41941147-G-A. GRCh37 (hg19) VCF-style: chr8-41798665-G-A.
Other names: short protein forms Q912*.
Identifiers: ClinVar variation 3068666 (VCV003068666.1), dbSNP rs2150861625, ClinGen allele CA371071778.